The following is an entry in ClinVar:

NM_000038.6(APC):c.3820T>C (p.Cys1274Arg)

Gene: APC (APC regulator of Wnt signaling pathway; plus strand). Cytogenetic location: 5q22.2.
Variant type: single nucleotide variant.
Coding change: c.3820T>C on transcript NM_000038.6 (MANE Select); coding-DNA position 3820, T replaced by C.
Protein change: p.Cys1274Arg; replaces cysteine 1274 with arginine.
Molecular consequence: missense variant. On other transcripts: non-coding transcript variant (2).
Genome position (GRCh38, 1-based): chr5:112,839,414, T>C. VCF-style: chr5-112839414-T-C. GRCh37 (hg19) VCF-style: chr5-112175111-T-C.
Other names: c.3904T>C, p.Cys1302Arg (NM_001407446.1); c.3874T>C, p.Cys1292Arg (NM_001407447.1, NM_001407448.1, NM_001407449.1 and 1 more transcripts); c.3820T>C, p.Cys1274Arg (NM_001407450.1, NM_001127510.3, NM_001354895.2); c.3799T>C, p.Cys1267Arg (NM_001407451.1); c.3571T>C, p.Cys1191Arg (NM_001407455.1, NM_001407456.1, NM_001407454.1 and 1 more transcripts); c.3790T>C, p.Cys1264Arg (NM_001407452.1); c.3643T>C, p.Cys1215Arg (NM_001407453.1, NM_001354901.2); c.3766T>C, p.Cys1256Arg (NM_001127511.3); and 11 more; short protein forms C1114R, C1148R, C1173R, C1274R, C890R, C1233R, C1246R, C1267R.
Identifiers: ClinVar variation 3409973 (VCV003409973.1).

ClinVar aggregate classification (germline): Uncertain significance (1 of 4 stars; one submission).

Conditions:
Hereditary cancer-predisposing syndrome. Also called: Neoplastic Syndromes, Hereditary; Tumor predisposition; Hereditary Cancer Syndrome; Hereditary neoplastic syndrome. Identifiers: Orphanet 140162, MedGen C0027672, MeSH D009386, MONDO:0015356.

gnomAD v4.1: 1 of 1,614,044 alleles (0.000062%); no homozygotes.

Submission:

Ambry Genetics
Classification: Uncertain significance for Hereditary cancer-predisposing syndrome. Last evaluated: 2024-08-01. Review status: criteria provided, single submitter. Criteria: Ambry Variant Classification Scheme 2023. Collection method: clinical testing. Allele origin: germline.
Comment: The p.C1274R variant (also known as c.3820T>C), located in coding exon 15 of the APC gene, results from a T to C substitution at nucleotide position 3820. The cysteine at codon 1274 is replaced by arginine, an amino acid with highly dissimilar properties. This amino acid position is conserved. In addition, in silico predictors for this gene do not accurately predict pathogenicity. Based on the available evidence, the clinical significance of this variant remains unclear.